The following is an entry in ClinVar:

ClinVar aggregate classification (germline): Uncertain significance. Review status: criteria provided, multiple submitters, no conflicts (2 of 4 stars). 5 submissions from 5 submitters: Uncertain significance (4). 1 of the submissions does not count toward it. Last evaluated 2026-01-12.

Conditions:
CDH23-related disorder. Also called: CDH23-related disorders; CDH23-related condition.
Usher syndrome type 1 (USH1). Also called: RETINITIS PIGMENTOSA AND CONGENITAL DEAFNESS. Identifiers: Orphanet 231169, Orphanet 886, MedGen C1568247, MONDO:0010168, OMIM 276900.

Allele frequency attached by ClinVar (database versions not stated): gnomAD exomes 0.00002; ExAC 0.00003; gnomAD 0.00006; TOPMed 0.00006.
gnomAD v4.1: 34 of 1,613,686 alleles (0.0021%); highest among the groups gnomAD compares: African/African-American, 0.02%; no homozygotes.

Submissions (5):

Labcorp Genetics (formerly Invitae), Labcorp
Classification: Uncertain significance. Last evaluated: 2026-01-12. Review status: criteria provided, single submitter. Criteria: Invitae Variant Classification Sherloc (09022015). Collection method: clinical testing. Allele origin: germline.
Comment: This sequence change replaces arginine, which is basic and polar, with histidine, which is basic and polar, at codon 1824 of the CDH23 protein (p.Arg1824His). This variant is present in population databases (rs111033491, gnomAD 0.02%). This missense change has been observed in individual(s) with CDH23-related conditions (PMID: 36460718). ClinVar contains an entry for this variant (Variation ID: 45980). Invitae Evidence Modeling of protein sequence and biophysical properties (such as structural, functional, and spatial information, amino acid conservation, physicochemical variation, residue mobility, and thermodynamic stability) has been performed for this missense variant. However, the output from this modeling did not meet the statistical confidence thresholds required to predict the impact of this variant on CDH23 protein function. In summary, the available evidence is currently insufficient to determine the role of this variant in disease. Therefore, it has been classified as a Variant of Uncertain Significance.

PreventionGenetics, part of Exact Sciences
Classification: Uncertain significance for CDH23-related condition. Last evaluated: 2025-11-21. Review status: criteria provided, single submitter. Criteria: ACMG Guidelines, 2015. Collection method: clinical testing. Allele origin: germline.
Comment: The CDH23 c.5471G>A variant is predicted to result in the amino acid substitution p.Arg1824His. This variant has been reported in a cohort study of retinal disease (Table S1, Karali et al. 2022. PubMed ID: 36460718). This variant is present in 0.017% of alleles in individuals of African descent in gnomAD. At this time, the clinical significance of this variant is uncertain due to the absence of conclusive functional and genetic evidence.

Eurofins Ntd Llc (ga)
Classification: Uncertain significance. Last evaluated: 2014-08-20. Review status: criteria provided, single submitter. Criteria: EGL Classification Definitions 2015. Collection method: clinical testing. Allele origin: germline. Observed: 1 variant allele, 1 heterozygote.

Laboratory for Molecular Medicine, Mass General Brigham Personalized Medicine
Classification: Uncertain significance. Last evaluated: 2009-12-07. Review status: criteria provided, single submitter. Criteria: LMM Criteria. Collection method: clinical testing. Allele origin: germline. Observed: 2 variant alleles.

Natera, Inc.
Classification: Uncertain significance for Usher syndrome type 1. Last evaluated: 2020-03-17. Review status: no assertion criteria provided. Collection method: clinical testing. Allele origin: germline. Not counted in ClinVar's aggregate classification.

Literature cited by the submitters: PubMed 36460718 (cited by Labcorp Genetics (formerly Invitae), Labcorp).

NM_022124.6(CDH23):c.5471G>A (p.Arg1824His)

Gene: CDH23 (cadherin related 23; plus strand). Cytogenetic location: 10q22.1.
Variant type: single nucleotide variant.
Coding change: c.5471G>A on transcript NM_022124.6 (MANE Select); coding-DNA position 5471, G replaced by A.
Protein change: p.Arg1824His; replaces arginine 1824 with histidine.
Molecular consequence: missense variant.
Genome position (GRCh38, 1-based): chr10:71,784,389, G>A. VCF-style: chr10-71784389-G-A. GRCh37 (hg19) VCF-style: chr10-73544146-G-A.
Other names: short protein forms R1824H.
Identifiers: ClinVar variation 45980 (VCV000045980.13), dbSNP rs111033491, ClinGen allele CA137489.